The following is an entry in ClinVar:

NC_000010.11:g.(?_88935213)_(88948940_?)dup

Gene: ACTA2 (actin alpha 2, smooth muscle; minus strand). Cytogenetic location: 10q23.31.
Variant type: Duplication.
Identifiers: ClinVar variation 833400 (VCV000833400.1).

ClinVar aggregate classification (germline): Uncertain significance (1 of 4 stars; one submission).

Conditions:
Aortic aneurysm, familial thoracic 6 (AAT6). Also called: FAMILIAL THORACIC AORTIC ANEURYSM WITH LIVEDO RETICULARIS AND IRIS FLOCCULI. Identifiers: MedGen C2673186, MONDO:0012730, OMIM 611788.

Submission:

Labcorp Genetics (formerly Invitae), Labcorp
Classification: Uncertain significance for Aortic aneurysm, familial thoracic 6. Last evaluated: 2019-10-27. Review status: criteria provided, single submitter. Criteria: Invitae Variant Classification Sherloc (09022015). Collection method: clinical testing. Allele origin: germline.
Comment: This variant results in a copy number gain of the genomic region encompassing the full coding sequence of the ACTA2 gene. The boundaries of this event are unknown as they extend beyond the assayed region for this gene and therefore may encompass additional genes. As the precise location of this event is unknown, it may be in tandem or it may be located elsewhere in the genome. This variant has not been reported in the literature in individuals with ACTA2-related conditions. In summary, the available evidence is currently insufficient to determine the role of this variant in disease. Therefore, it has been classified as a Variant of Uncertain Significance.